The following is an entry in ClinVar:

NM_016222.4(DDX41):c.773C>G (p.Pro258Arg)

Gene: DDX41 (DEAD-box helicase 41; minus strand). Cytogenetic location: 5q35.3.
Variant type: single nucleotide variant.
Coding change: c.773C>G on transcript NM_016222.4 (MANE Select); coding-DNA position 773, C replaced by G.
Protein change: p.Pro258Arg; replaces proline 258 with arginine.
Molecular consequence: missense variant.
Genome position (GRCh38, 1-based): chr5:177,514,941, G>C on the plus strand (C>G on the coding strand, the complement: DDX41 is on the minus strand). VCF-style: chr5-177514941-G-C. GRCh37 (hg19) VCF-style: chr5-176941942-G-C.
Other names: c.395C>G, p.Pro132Arg (NM_001321732.2, NM_001321830.2); short protein forms P132R, P258R.
Identifiers: ClinVar variation 4869626 (VCV004869626.1).

ClinVar aggregate classification (germline): Uncertain significance (1 of 4 stars; one submission).

Conditions:
Inborn genetic diseases. Identifiers: MedGen C0950123, MeSH D030342.

gnomAD v4.1: 3 of 1,612,124 alleles (0.00019%); highest among the groups gnomAD compares: Non-Finnish European, 0.00025%; no homozygotes.

Submission:

Ambry Genetics
Classification: Uncertain significance for Inborn genetic diseases. Last evaluated: 2026-04-01. Review status: criteria provided, single submitter. Criteria: Ambry Variant Classification Scheme 2023. Collection method: clinical testing. Allele origin: germline.
Comment: The p.P258R variant (also known as c.773C>G), located in coding exon 8 of the DDX41 gene, results from a C to G substitution at nucleotide position 773. The proline at codon 258 is replaced by arginine, an amino acid with dissimilar properties. This amino acid position is highly conserved in available vertebrate species. In addition, this alteration is predicted to be deleterious by in silico analysis. Based on the available evidence, the clinical significance of this variant remains unclear.